The following is an entry in ClinVar:

ClinVar aggregate classification (germline): Uncertain significance. Review status: criteria provided, single submitter (1 of 4 stars). 2 submissions from 2 submitters: Uncertain significance (1). 1 of the submissions does not count toward it. Last evaluated 2025-06-30.

Conditions:
Prostate cancer, hereditary, 1 (HPC1). Identifiers: Orphanet 1331, MedGen C4722327, MONDO:0011098, OMIM 601518.
Hereditary cancer-predisposing syndrome. Also called: Neoplastic Syndromes, Hereditary; Tumor predisposition; Hereditary neoplastic syndrome; Hereditary Cancer Syndrome. Identifiers: Orphanet 140162, MedGen C0027672, MeSH D009386, MONDO:0015356.

Submissions (2):

Ambry Genetics
Classification: Uncertain significance for Hereditary cancer-predisposing syndrome. Last evaluated: 2025-06-30. Review status: criteria provided, single submitter. Criteria: Ambry Variant Classification Scheme 2023. Collection method: clinical testing. Allele origin: germline.
Comment: The p.P40L variant (also known as c.119C>T), located in coding exon 1 of the HOXB13 gene, results from a C to T substitution at nucleotide position 119. The proline at codon 40 is replaced by leucine, an amino acid with similar properties. This amino acid position is conserved. In addition, this alteration is predicted to be tolerated by in silico analysis. Since supporting evidence is limited at this time, the clinical significance of this alteration remains unclear.

Laboratory of Virology, Microbiology,  Quality and Medical Biotechnologies, Faculty of Sciences and Techniques - Mohammedia, Hassan II University of Casablanca
Classification: Uncertain significance for Prostate cancer, hereditary, 1. Review status: no assertion criteria provided. Collection method: clinical testing. Allele origin: somatic. Affected: yes. Not counted in ClinVar's aggregate classification.

NM_006361.6(HOXB13):c.119C>T (p.Pro40Leu)

Gene: HOXB13 (homeobox B13; minus strand). Cytogenetic location: 17q21.32.
Variant type: single nucleotide variant.
Coding change: c.119C>T on transcript NM_006361.6 (MANE Select); coding-DNA position 119, C replaced by T.
Protein change: p.Pro40Leu; replaces proline 40 with leucine.
Molecular consequence: missense variant.
Genome position (GRCh38, 1-based): chr17:48,728,475, G>A on the plus strand (C>T on the coding strand, the complement: HOXB13 is on the minus strand). VCF-style: chr17-48728475-G-A. GRCh37 (hg19) VCF-style: chr17-46805837-G-A.
Other names: short protein forms P40L.
Identifiers: ClinVar variation 690536 (VCV000690536.5), dbSNP rs1597935060, ClinGen allele CA400109239.